The following is an entry in ClinVar:

NM_003919.3(SGCE):c.32A>G (p.Asp11Gly)

Gene: SGCE (sarcoglycan epsilon; minus strand). Cytogenetic location: 7q21.3.
Variant type: single nucleotide variant.
Coding change: c.32A>G on transcript NM_003919.3 (MANE Select); coding-DNA position 32, A replaced by G.
Protein change: p.Asp11Gly; replaces aspartic acid 11 with glycine.
Molecular consequence: missense variant. On other transcripts: 5 prime UTR variant (4).
Genome position (GRCh38, 1-based): chr7:94,656,067, T>C on the plus strand (A>G on the coding strand, the complement: SGCE is on the minus strand). VCF-style: chr7-94656067-T-C. GRCh37 (hg19) VCF-style: chr7-94285379-T-C.
Other names: c.32A>G, p.Asp11Gly (NM_001099400.2, NM_001099401.2, NM_001301139.2 and 4 more transcripts); c.-226A>G (NM_001346719.2); c.-304A>G (NM_001346720.2, NM_001362808.2); c.-232A>G (NM_001362807.2); short protein forms D11G.
Identifiers: ClinVar variation 1020238 (VCV001020238.8), dbSNP rs1021265778, ClinGen allele CA163086031.

ClinVar aggregate classification (germline): Uncertain significance (1 of 4 stars; one submission).

Conditions:
Myoclonic dystonia 11 (DYT11). Also called: SGCE Myoclonus-Dystonia; Myoclonus-Dystonia; Myoclonic dystonia; Dystonia 11; Dystonia, alcohol responsive; Hereditary essential myoclonus. Identifiers: Orphanet 36899, MedGen C1834570, MONDO:0008044, OMIM 159900.

Allele frequency attached by ClinVar (database versions not stated): TOPMed below 0.00001.

Submission:

Labcorp Genetics (formerly Invitae), Labcorp
Classification: Uncertain significance for Myoclonic dystonia 11. Last evaluated: 2022-06-27. Review status: criteria provided, single submitter. Criteria: Invitae Variant Classification Sherloc (09022015). Collection method: clinical testing. Allele origin: germline.
Comment: In summary, the available evidence is currently insufficient to determine the role of this variant in disease. Therefore, it has been classified as a Variant of Uncertain Significance. Algorithms developed to predict the effect of missense changes on protein structure and function are either unavailable or do not agree on the potential impact of this missense change (SIFT: "Deleterious"; PolyPhen-2: "Benign"; Align-GVGD: "Class C0"). ClinVar contains an entry for this variant (Variation ID: 1020238). This variant has not been reported in the literature in individuals affected with SGCE-related conditions. This variant is not present in population databases (gnomAD no frequency). This sequence change replaces aspartic acid, which is acidic and polar, with glycine, which is neutral and non-polar, at codon 11 of the SGCE protein (p.Asp11Gly).